The following is an entry in ClinVar:

NM_022356.4(P3H1):c.92G>C (p.Gly31Ala)

Gene: P3H1 (prolyl 3-hydroxylase 1; minus strand). Cytogenetic location: 1p34.2.
Variant type: single nucleotide variant.
Coding change: c.92G>C on transcript NM_022356.4 (MANE Select); coding-DNA position 92, G replaced by C.
Protein change: p.Gly31Ala; replaces glycine 31 with alanine.
Molecular consequence: missense variant.
Genome position (GRCh38, 1-based): chr1:42,766,880, C>G on the plus strand (G>C on the coding strand, the complement: P3H1 is on the minus strand). VCF-style: chr1-42766880-C-G. GRCh37 (hg19) VCF-style: chr1-43232551-C-G.
Other names: c.92G>C, p.Gly31Ala (NM_001146289.2, NM_001243246.2); short protein forms G31A.
Identifiers: ClinVar variation 3207723 (VCV003207723.2), dbSNP rs199533680, ClinGen allele CA802234.

ClinVar aggregate classification (germline): Uncertain significance. Review status: criteria provided, multiple submitters, no conflicts (2 of 4 stars). 2 submissions from 2 submitters: Uncertain significance (2). Last evaluated 2024-06-05.

Conditions:
Inborn genetic diseases. Identifiers: MedGen C0950123, MeSH D030342.

Allele frequency attached by ClinVar (database versions not stated): ExAC 0.00001; ESP Exome Variant Server 0.00008.
gnomAD v4.1: 20 of 1,608,236 alleles (0.0012%); highest among the groups gnomAD compares: Non-Finnish European, 0.000085%; no homozygotes.

Submissions (2):

GeneDx
Classification: Uncertain significance. Last evaluated: 2024-06-05. Review status: criteria provided, single submitter. Criteria: GeneDx Variant Classification Process June 2021. Collection method: clinical testing. Allele origin: germline. Affected: yes.
Comment: In silico analysis indicates that this missense variant does not alter protein structure/function; Has not been previously published as pathogenic or benign to our knowledge

Ambry Genetics
Classification: Uncertain significance for Inborn genetic diseases. Last evaluated: 2023-09-20. Review status: criteria provided, single submitter. Criteria: Ambry Variant Classification Scheme 2023. Collection method: clinical testing. Allele origin: germline.